The following is an entry in ClinVar:

NM_001330588.2(TPP2):c.2164T>C (p.Phe722Leu)

Gene: TPP2 (tripeptidyl peptidase 2; plus strand). Cytogenetic location: 13q33.1.
Variant type: single nucleotide variant.
Coding change: c.2164T>C on transcript NM_001330588.2 (MANE Select); coding-DNA position 2164, T replaced by C.
Protein change: p.Phe722Leu; replaces phenylalanine 722 with leucine.
Molecular consequence: missense variant. On other transcripts: non-coding transcript variant (1).
Genome position (GRCh38, 1-based): chr13:102,643,365, T>C. VCF-style: chr13-102643365-T-C. GRCh37 (hg19) VCF-style: chr13-103295715-T-C.
Other names: c.2164T>C, p.Phe722Leu (NM_001367947.1, NM_003291.4); short protein forms F722L.
Identifiers: ClinVar variation 1060576 (VCV001060576.6), dbSNP rs933659059, ClinGen allele CA255164067.
Genomic context (GRCh38, chr13:102,643,365, plus strand): 5'-CGAAGCCATGAATTCTATAAGTTTTGTTCTCTTCCAGAGAAAGGAACACTGACTGAAGCT[T>C]TTCCTGTCCTAGTAAGTTTAATTATAGTTTATAATCCTAACACAATTTATTTGCCTTTTT-3'
Protein context (NP_001317517.1, residues 712-732): LPEKGTLTEA[Phe722Leu]PVLGGKAIEF

ClinVar aggregate classification (germline): Uncertain significance (1 of 4 stars; one submission).

Conditions:
Evans syndrome, immunodeficiency, and premature immunosenescence associated with tripeptidyl-peptidase II deficiency. Identifiers: MedGen CN231723. Disease mechanism: loss of function.

Allele frequency attached by ClinVar (database versions not stated): gnomAD exomes below 0.00001; gnomAD 0.00001; TOPMed 0.00001.
gnomAD v4.1: 7 of 1,605,452 alleles (0.00044%); highest among the groups gnomAD compares: Admixed American, 0.0052%; no homozygotes.

Submission:

Labcorp Genetics (formerly Invitae), Labcorp
Classification: Uncertain significance for Evans syndrome, immunodeficiency, and premature immunosenescence associated with tripeptidyl-peptidase II deficiency. Last evaluated: 2021-09-01. Review status: criteria provided, single submitter. Criteria: Invitae Variant Classification Sherloc (09022015). Collection method: clinical testing. Allele origin: germline.
Comment: This sequence change replaces phenylalanine with leucine at codon 722 of the TPP2 protein (p.Phe722Leu). The phenylalanine residue is highly conserved and there is a small physicochemical difference between phenylalanine and leucine. This variant is not present in population databases (ExAC no frequency). This variant has not been reported in the literature in individuals affected with TPP2-related conditions. Algorithms developed to predict the effect of missense changes on protein structure and function (SIFT, PolyPhen-2, Align-GVGD) all suggest that this variant is likely to be tolerated. In summary, the available evidence is currently insufficient to determine the role of this variant in disease. Therefore, it has been classified as a Variant of Uncertain Significance.